The following is an entry in ClinVar:

NM_017617.5(NOTCH1):c.2740+295C>T

Gene: NOTCH1 (notch receptor 1; minus strand). Cytogenetic location: 9q34.3.
Variant type: single nucleotide variant.
Coding change: c.2740+295C>T on transcript NM_017617.5 (MANE Select); 295 bases into the intron after coding-DNA position 2740, C replaced by T.
Molecular consequence: intron variant.
Genome position (GRCh38, 1-based): chr9:136,510,358, G>A on the plus strand (C>T on the coding strand, the complement: NOTCH1 is on the minus strand). VCF-style: chr9-136510358-G-A. GRCh37 (hg19) VCF-style: chr9-139404810-G-A.
Identifiers: ClinVar variation 673308 (VCV000673308.1), dbSNP rs137908687, ClinGen allele CA201583148.

ClinVar aggregate classification (germline): Likely benign (1 of 4 stars; one submission).

Allele frequency attached by ClinVar (database versions not stated): gnomAD 0.00370 and 0.00386; TOPMed 0.00417; 1000 Genomes Project 0.00579; 1000 Genomes Project 30x 0.00640.
gnomAD v4.1: 558 of 152,028 alleles (0.37%); highest among the groups gnomAD compares: African/African-American, 1.3%; 1 homozygote.

Submission:

GeneDx
Classification: Likely benign. Last evaluated: 2018-06-14. Review status: criteria provided, single submitter. Criteria: GeneDx Variant Classification (06012015). Collection method: clinical testing. Allele origin: germline. Affected: yes.
Comment: This variant is considered likely benign or benign based on one or more of the following criteria: it is a conservative change, it occurs at a poorly conserved position in the protein, it is predicted to be benign by multiple in silico algorithms, and/or has population frequency not consistent with disease.